The following is an entry in ClinVar:

ClinVar aggregate classification (germline): Conflicting classifications of pathogenicity. Review status: criteria provided, conflicting classifications (1 of 4 stars). 2 submissions from 2 submitters: Uncertain significance (1); Likely benign (1). Last evaluated 2025-12-08.

Allele frequency attached by ClinVar (database versions not stated): gnomAD 0.00001 and 0.00011; TOPMed 0.00001; 1000 Genomes Project 0.00060; 1000 Genomes Project 30x 0.00062.

Submissions (2):

Labcorp Genetics (formerly Invitae), Labcorp
Classification: Likely benign. Last evaluated: 2025-12-08. Review status: criteria provided, single submitter. Criteria: Invitae Variant Classification Sherloc (09022015). Collection method: clinical testing. Allele origin: germline.

Genetic Services Laboratory, University of Chicago
Classification: Uncertain significance. Last evaluated: 2021-02-23. Review status: criteria provided, single submitter. Criteria: ACMG Guidelines, 2015. Collection method: clinical testing. Allele origin: germline. Affected: no.
Comment: DNA sequence analysis of the SAMD9 gene demonstrated a sequence change, c.3176A>G, in exon 3 that results in an amino acid change, p.His1059Arg. This sequence change has been described in gnomAD with a low population frequency of 0.032% (dbSNP rs377438913). The p.His1059Arg change affects a moderately conserved amino acid residue located in a domain of the SAMD9 protein that is not known to be functional. The p.His1059Arg substitution appears to be benign using several in-silico pathogenicity prediction tools (SIFT, PolyPhen2, Align GVGD, REVEL). This sequence change does not appear to have been previously described in patients with SAMD9-related disorders. Due to the lack of sufficient evidences, the clinical significance of the p.His1059Arg change remains unknown at this time.

NM_017654.4(SAMD9):c.3176A>G (p.His1059Arg)

Gene: SAMD9 (sterile alpha motif domain containing 9; minus strand). Cytogenetic location: 7q21.2.
Variant type: single nucleotide variant.
Coding change: c.3176A>G on transcript NM_017654.4 (MANE Select); coding-DNA position 3176, A replaced by G.
Protein change: p.His1059Arg; replaces histidine 1059 with arginine.
Molecular consequence: missense variant.
Genome position (GRCh38, 1-based): chr7:93,102,922, T>C on the plus strand (A>G on the coding strand, the complement: SAMD9 is on the minus strand). VCF-style: chr7-93102922-T-C. GRCh37 (hg19) VCF-style: chr7-92732235-T-C.
Other names: c.3176A>G, p.His1059Arg (NM_001193307.2); short protein forms H1059R.
Identifiers: ClinVar variation 1337490 (VCV001337490.11), dbSNP rs377438913, ClinGen allele CA4342736.